The following is an entry in ClinVar:

NM_001100.4(ACTA1):c.686T>C (p.Met229Thr)

Gene: ACTA1 (actin alpha 1, skeletal muscle; minus strand). Cytogenetic location: 1q42.13.
Variant type: single nucleotide variant.
Coding change: c.686T>C on transcript NM_001100.4 (MANE Select); coding-DNA position 686, T replaced by C.
Protein change: p.Met229Thr; replaces methionine 229 with threonine.
Molecular consequence: missense variant.
Genome position (GRCh38, 1-based): chr1:229,432,116, A>G on the plus strand (T>C on the coding strand, the complement: ACTA1 is on the minus strand). VCF-style: chr1-229432116-A-G. GRCh37 (hg19) VCF-style: chr1-229567863-A-G.
Other names: NM_001100.4(ACTA1):c.686T>C; p.Met229Thr; short protein forms M229T.
Identifiers: ClinVar variation 2635623 (VCV002635623.4), dbSNP rs2527437313, ClinGen allele CA345147061.

ClinVar aggregate classification (germline): Pathogenic. Review status: reviewed by expert panel (3 of 4 stars). 3 submissions from 3 submitters: Pathogenic (1). 2 of the submissions do not count toward it. Last evaluated 2026-06-08.

Conditions:
Nemaline myopathy. Also called: Myopathies, Nemaline. Identifiers: Orphanet 607, MedGen C0206157, MONDO:0018958.
Alpha-actinopathy. Also called: Actinopathy. Identifiers: MedGen CN295279, MONDO:0100084.
ACTA1-related disorder. Also called: ACTA1-related condition.

Submissions (3):

ClinGen Congenital Myopathies Variant Curation Expert Panel, ClinGen
Classification: Pathogenic for Alpha-actinopathy. Last evaluated: 2026-06-08. Review status: reviewed by expert panel. Criteria: ClinGen CongenMyopathy ACMG Specifications ACTA1_AD_ V2.0.0. Collection method: curation. Allele origin: germline. Inheritance: Autosomal dominant inheritance.
Comment: The variant NM_001100.4:c.686T>C in ACTA1 is a missense variant predicted to cause substitution of methionine by threonine at amino acid 229 (p.Met229Thr). This variant is absent from gnomAD v4.1.0 (PM2_Supporting). The REVEL computational prediction analysis tool produced a score of 0.934, which is above the threshold predicting a damaging impact on ACTA1 function. ACTA1, in which the variant was identified, is defined by the ClinGen Congenital Myopathies VCEP as a gene that has a low rate of benign missense variation and where pathogenic missense variants are a common mechanism of disease (PP2). Six different missense variants, [c.685A>G (p.Met229Val), c.686T>G (p.Met229Arg), c.685A>T (p.Met229Leu), c.687G>A (p.Met229Ile), c.687G>C (p.Met229Ile), c.687G>T (p.Met229Ile)], in the same codon have been reported in patients with congenital myopathies (PMIDs: 12921789, 19562689, VCEP internal contributor]. This variant has been reported as de novo occurrences in at least three probands with features of nemaline myopathy, of which one was de novo with confirmed parentage (PS2, PS4_Supporting; PMIDs: 12921789, 19562689, 35810298, 38982518, 40225930; Institut de Génétique et Biologie Moléculaire et Cellulaire, ClinVar Accession: SCV005038471.2). At least one patient with this variant displayed characteristic muscle biopsy with fiber size variability, intranuclear rods, cytoplasmic bodies, and other features, which is highly compatible with alpha-actinopathy (PP4_Moderate, PMIDs:35810298, 38982518). In summary, the variant meets criteria to be classified as pathogenic for autosomal dominant alpha-actinopathy. ACMG/AMP criteria met, as specified by the ClinGen Congenital Myopathies VCEP: PS2, PP4_M, PS4_P, PM2_P, PP2, PP3 (ClinGen Congenital Myopathies VCEP specifications version 2.0.0).

Muscle and Diseases Team, Institut de Génétique et Biologie Moléculaire et Cellulaire
Classification: Pathogenic for Nemaline myopathy. Last evaluated: 2024-03-01. Review status: criteria provided, single submitter. Criteria: ACMG Guidelines, 2015. Collection method: research. Allele origin: de novo. Affected: yes. Observed: 1 variant allele. Not counted in ClinVar's aggregate classification.
Comment: PS2+PM1+PM2+PP2+PP3+PP5

PreventionGenetics, part of Exact Sciences
Classification: Pathogenic for ACTA1-related condition. Last evaluated: 2022-12-07. Review status: criteria provided, single submitter. Criteria: ACMG Guidelines, 2015. Collection method: clinical testing. Allele origin: germline. Not counted in ClinVar's aggregate classification.
Comment: The ACTA1 c.686T>C variant is predicted to result in the amino acid substitution p.Met229Thr. This variant (legacy nomenclature p.Met227Thr) was reported as de novo in two presumably unrelated patients with nemaline myopathy (Sparrow et al 2003. PubMed ID: 12921789; Table S1, Laing. 2009. PubMed ID: 19562689). Two other substitutions (Val, Ile) at this amino acid position have also been reported as pathogenic in seven patients, occurring de novo in all three cases in which parents were available for testing (Sparrow et al 2003. PubMed ID: 12921789; Table S1, Laing. 2009. PubMed ID: 19562689). This variant has not been reported in a large population database, indicating this variant is rare. This variant is interpreted as pathogenic.

Literature cited by the submitters: DOI 10.1186/s13073-024-01353-0 (cited by Muscle and Diseases Team, Institut de Génétique et Biologie Moléculaire et Cellulaire); PubMed 35810298 (cited by Muscle and Diseases Team, Institut de Génétique et Biologie Moléculaire et Cellulaire).